The following is an entry in ClinVar:

ClinVar aggregate classification (germline): Pathogenic (1 of 4 stars; one submission).

Submission:

GeneDx
Classification: Pathogenic. Last evaluated: 2014-11-05. Review status: criteria provided, single submitter. Criteria: GeneDx Variant Classification (06012015). Collection method: clinical testing. Allele origin: germline. Affected: yes.
Comment: The c.1668_1674dupTGAAGTC, the normal sequence with the bases that are duplicated in braces is: TGTC{TGAAGTC}ATCC. This mutation in the HADHA gene causes the replacement of the normal Isoleucine codon at position 559 to a premature Stop codon, denoted p.Ile559Ter. This mutation is predicted to cause loss of normal protein function either through protein truncation or nonsense-mediated mRNA decay. Although this mutation has not been previously reported to our knowledge, it is expected to be a pathogenic mutation. The variant is found in FAO-MET panel(s).

NM_000182.5(HADHA):c.1668_1674dup (p.Ile559Ter)

Genes: HADHA (hydroxyacyl-CoA dehydrogenase trifunctional multienzyme complex subunit alpha; minus strand), GAREM2 (GRB2 associated regulator of MAPK1 subtype 2; plus strand). Cytogenetic location: 2p23.3.
Variant type: Duplication.
Coding change: c.1668_1674dup on transcript NM_000182.5 (MANE Select); coding-DNA positions 1668 to 1674, 7 bases duplicated (TGAAGTC; older notation c.1668_1674dupTGAAGTC).
Protein change: p.Ile559Ter; replaces isoleucine 559 with a stop codon.
Molecular consequence: nonsense.
Genome position (GRCh38, 1-based): chr2:26,194,585-26,194,591, GACTTCA duplicated on the plus strand (TGAAGTC on the coding strand, the reverse complement: HADHA is on the minus strand); duplicating any 7 consecutive bases within chr2:26,194,585-26,194,594 gives the same sequence; the c. name uses the placement nearest the transcript's 3' end. VCF-style (leftmost placement, unchanged base first): chr2-26194584-T-TGACTTCA. GRCh37 (hg19) VCF-style: chr2-26417453-T-TGACTTCA.
Other names: short protein forms I559*.
Identifiers: ClinVar variation 203747 (VCV000203747.1), dbSNP rs796051973, ClinGen allele CA312586.